The following is an entry in ClinVar:

ClinVar aggregate classification (germline): Uncertain significance. Review status: criteria provided, multiple submitters, no conflicts (2 of 4 stars). 2 submissions from 2 submitters: Uncertain significance (2). Last evaluated 2024-02-14.

gnomAD v4.1: 4 of 1,575,994 alleles (0.00025%); highest among the groups gnomAD compares: African/African-American, 0.004%; no homozygotes.

Submissions (2):

GeneDx
Classification: Uncertain significance. Last evaluated: 2024-02-14. Review status: criteria provided, single submitter. Criteria: GeneDx Variant Classification Process June 2021. Collection method: clinical testing. Allele origin: germline. Affected: yes.
Comment: Not observed at significant frequency in large population cohorts (gnomAD); In silico analysis supports that this missense variant has a deleterious effect on protein structure/function; Has not been previously published as pathogenic or benign to our knowledge

Blueprint Genetics
Classification: Uncertain significance. Last evaluated: 2018-08-24. Review status: criteria provided, single submitter. Criteria: ACMG Guidelines, 2015. Collection method: clinical testing. Allele origin: germline.

NM_001852.4(COL9A2):c.1256C>T (p.Pro419Leu)

Gene: COL9A2 (collagen type IX alpha 2 chain; minus strand). Cytogenetic location: 1p34.2.
Variant type: single nucleotide variant.
Coding change: c.1256C>T on transcript NM_001852.4 (MANE Select); coding-DNA position 1256, C replaced by T.
Protein change: p.Pro419Leu; replaces proline 419 with leucine.
Molecular consequence: missense variant.
Genome position (GRCh38, 1-based): chr1:40,304,351, G>A on the plus strand (C>T on the coding strand, the complement: COL9A2 is on the minus strand). VCF-style: chr1-40304351-G-A. GRCh37 (hg19) VCF-style: chr1-40770023-G-A.
Other names: short protein forms P419L.
Identifiers: ClinVar variation 3369215 (VCV003369215.2).